The following is an entry in ClinVar:

ClinVar aggregate classification (germline): Uncertain significance (1 of 4 stars; one submission).

Conditions:
Inborn genetic diseases. Identifiers: MedGen C0950123, MeSH D030342.

gnomAD v4.1: 4 of 1,613,928 alleles (0.00025%); highest among the groups gnomAD compares: Non-Finnish European, 0.00034%; no homozygotes.

Submission:

Ambry Genetics
Classification: Uncertain significance for Inborn genetic diseases. Last evaluated: 2025-12-04. Review status: criteria provided, single submitter. Criteria: Ambry Variant Classification Scheme 2023. Collection method: clinical testing. Allele origin: germline.
Comment: The c.1015G>A (p.G339S) alteration is located in exon 1 (coding exon 1) of the ZIC2 gene. This alteration results from a G to A substitution at nucleotide position 1015, causing the glycine (G) at amino acid position 339 to be replaced by a serine (S). Based on data from gnomAD, the A allele has an overall frequency of 0.001% (2/282714) total alleles studied. The highest observed frequency was 0.002% (2/129056) of European (non-Finnish) alleles. Based on insufficient or conflicting evidence, the clinical significance of this alteration remains unclear.

NM_007129.5(ZIC2):c.1015G>A (p.Gly339Ser)

Gene: ZIC2 (Zic family zinc finger 2; plus strand). Cytogenetic location: 13q32.3.
Variant type: single nucleotide variant.
Coding change: c.1015G>A on transcript NM_007129.5 (MANE Select); coding-DNA position 1015, G replaced by A.
Protein change: p.Gly339Ser; replaces glycine 339 with serine.
Molecular consequence: missense variant.
Genome position (GRCh38, 1-based): chr13:99,983,079, G>A. VCF-style: chr13-99983079-G-A. GRCh37 (hg19) VCF-style: chr13-100635333-G-A.
Other names: short protein forms G339S.
Identifiers: ClinVar variation 4635062 (VCV004635062.1).
Genomic context (GRCh38, chr13:99,983,079, plus strand): 5'-AAACTGGTCAACCACATCCGCGTGCACACAGGCGAGAAACCCTTCCCCTGCCCCTTCCCG[G>A]GCTGTGGCAAAGTCTTCGCGCGCTCCGAGAACCTCAAGATCCACAAAAGGACCCACACAG-3'
Protein context (NP_009060.2, residues 329-349): GEKPFPCPFP[Gly339Ser]CGKVFARSEN